The following is an entry in ClinVar:

ClinVar aggregate classification (germline): Benign/Likely benign. Review status: criteria provided, multiple submitters, no conflicts (2 of 4 stars). 7 submissions from 7 submitters: Benign (6); Likely benign (1). Last evaluated 2026-02-03.

Conditions:
Inborn genetic diseases. Identifiers: MedGen C0950123, MeSH D030342.
Developmental and epileptic encephalopathy, 31A. Also called: Developmental and epileptic encephalopathy, 31; Epileptic encephalopathy, early infantile, 31. Identifiers: Orphanet 2382, MedGen C4225357, MONDO:0014598, OMIM 616346.

Allele frequency attached by ClinVar (database versions not stated): ExAC 0.00166; gnomAD 0.00432 and 0.00468; TOPMed 0.00510; ESP Exome Variant Server 0.00515; 1000 Genomes Project 0.00559; 1000 Genomes Project 30x 0.00671.
gnomAD v4.1: 1,293 of 1,607,634 alleles (0.08%); highest among the groups gnomAD compares: African/African-American, 1.6%; 4 homozygotes.

Submissions (7):

Labcorp Genetics (formerly Invitae), Labcorp
Classification: Benign for Developmental and epileptic encephalopathy, 31A. Last evaluated: 2026-02-03. Review status: criteria provided, single submitter. Criteria: Invitae Variant Classification Sherloc (09022015). Collection method: clinical testing. Allele origin: germline.

Blueprint Genetics
Classification: Likely benign. Last evaluated: 2024-11-01. Review status: criteria provided, single submitter. Criteria: ACMG Guidelines, 2015. Collection method: clinical testing. Allele origin: germline.

Athena Diagnostics
Classification: Benign. Last evaluated: 2018-05-01. Review status: criteria provided, single submitter. Criteria: Athena Diagnostics Criteria. Collection method: clinical testing. Allele origin: germline.

Genetic Services Laboratory, University of Chicago
Classification: Benign. Last evaluated: 2017-04-24. Review status: criteria provided, single submitter. Criteria: ACMG Guidelines, 2015. Collection method: clinical testing. Allele origin: germline. Affected: no.

Ambry Genetics
Classification: Benign for Inborn genetic diseases. Last evaluated: 2017-02-13. Review status: criteria provided, single submitter. Criteria: Ambry Variant Classification Scheme 2023. Collection method: clinical testing. Allele origin: germline.

GeneDx
Classification: Benign. Last evaluated: 2016-02-16. Review status: criteria provided, single submitter. Criteria: GeneDx Variant Classification (06012015). Collection method: clinical testing. Allele origin: germline. Affected: yes.
Comment: This variant is considered likely benign or benign based on one or more of the following criteria: it is a conservative change, it occurs at a poorly conserved position in the protein, it is predicted to be benign by multiple in silico algorithms, and/or has population frequency not consistent with disease.

Breakthrough Genomics
Classification: Benign. Review status: criteria provided, single submitter. Criteria: ACMG Guidelines, 2015. Collection method: not provided. Allele origin: germline. Inheritance: Autosomal dominant inheritance. Affected: yes.

NM_004408.4(DNM1):c.357T>C (p.Pro119=)

Genes: DNM1 (dynamin 1; plus strand), LOC113839516 (Sharpr-MPRA regulatory region 8497; plus strand). Cytogenetic location: 9q34.11.
Variant type: single nucleotide variant.
Coding change: c.357T>C on transcript NM_004408.4 (MANE Select); coding-DNA position 357, T replaced by C.
Protein change: p.Pro119=; no amino-acid change (proline 119 retained).
Molecular consequence: synonymous variant.
Genome position (GRCh38, 1-based): chr9:128,218,703, T>C. VCF-style: chr9-128218703-T-C. GRCh37 (hg19) VCF-style: chr9-130980982-T-C.
Other names: c.357T>C, p.Pro119= (NM_001005336.3, NM_001288737.2, NM_001288738.2 and 1 more transcripts).
Identifiers: ClinVar variation 383230 (VCV000383230.24), dbSNP rs77325628, ClinGen allele CA5257784.